The following is an entry in ClinVar:

ClinVar aggregate classification (germline): no classifications from unflagged records (0 of 4 stars; one submission).

Submission:

Labcorp Genetics (formerly Invitae), Labcorp
Classification: Uncertain significance. Last evaluated: 2023-01-09. Review status: flagged submission. Criteria: Invitae Variant Classification Sherloc (09022015). Collection method: clinical testing. Allele origin: unknown.
Comment: This variant has not been reported in the literature in individuals affected with COL4A6-related conditions. This variant is a gross deletion of the genomic region encompassing exon(s) 1-3 of the COL4A6 gene, which includes the initiator codon. This deletion extends beyond the assayed region for this gene and therefore may encompass additional genes. It is expected to result in an absent or disrupted protein product. However, the current clinical and genetic evidence is not sufficient to establish whether loss-of-function variants in COL4A6 cause disease. In summary, the available evidence is currently insufficient to determine the role of this variant in disease. Therefore, it has been classified as a Variant of Uncertain Significance.
ClinVar note: Notes: This submission was flagged because its interpretation of this variant conflicts with the ClinGen Gene Dosage Map curation for the gene COL4A5.
ClinVar note: Reason: Conflict with ClinGen Gene Dosage Map

NC_000023.10:g.(?_107553958)_(107979574_?)del

Genes: COL4A5 (collagen type IV alpha 5 chain; plus strand), COL4A6 (collagen type IV alpha 6 chain; minus strand), IRS4 (insulin receptor substrate 4; minus strand). Cytogenetic location: Xq22.3.
Variant type: Deletion.
Identifiers: ClinVar variation 3246485 (VCV003246485.1).